The following is an entry in ClinVar:

ClinVar aggregate classification (germline): Uncertain significance (1 of 4 stars; one submission).

Conditions:
Brugada syndrome 4 (BRGDA4). Identifiers: Orphanet 130, MedGen C2678477, MONDO:0012743, OMIM 611876.

Allele frequency attached by ClinVar (database versions not stated): gnomAD exomes below 0.00001; TOPMed below 0.00001.
gnomAD v4.1: 2 of 1,613,992 alleles (0.00012%); highest among the groups gnomAD compares: South Asian, 0.0011%; no homozygotes.

Submission:

Labcorp Genetics (formerly Invitae), Labcorp
Classification: Uncertain significance for Brugada syndrome 4. Last evaluated: 2022-07-25. Review status: criteria provided, single submitter. Criteria: Invitae Variant Classification Sherloc (09022015). Collection method: clinical testing. Allele origin: germline.
Comment: In summary, the available evidence is currently insufficient to determine the role of this variant in disease. Therefore, it has been classified as a Variant of Uncertain Significance. Algorithms developed to predict the effect of missense changes on protein structure and function are either unavailable or do not agree on the potential impact of this missense change (SIFT: "Deleterious"; PolyPhen-2: "Possibly Damaging"; Align-GVGD: "Class C0"). This variant has not been reported in the literature in individuals affected with CACNB2-related conditions. This variant is not present in population databases (gnomAD no frequency). This sequence change replaces asparagine, which is neutral and polar, with serine, which is neutral and polar, at codon 102 of the CACNB2 protein (p.Asn102Ser).

NM_201596.3(CACNB2):c.467A>G (p.Asn156Ser)

Gene: CACNB2 (calcium voltage-gated channel auxiliary subunit beta 2; plus strand). Cytogenetic location: 10p12.31.
Variant type: single nucleotide variant.
Coding change: c.467A>G on transcript NM_201596.3 (MANE Select); coding-DNA position 467, A replaced by G.
Protein change: p.Asn156Ser; replaces asparagine 156 with serine.
Molecular consequence: missense variant.
Genome position (GRCh38, 1-based): chr10:18,500,822, A>G. VCF-style: chr10-18500822-A-G. GRCh37 (hg19) VCF-style: chr10-18789751-A-G.
Other names: c.302A>G, p.Asn101Ser (NM_000724.4, NM_001330060.2); c.383A>G, p.Asn128Ser (NM_001167945.2, NM_201571.4, NM_201572.4); c.323A>G, p.Asn108Ser (NM_001410882.1, NM_201570.3); c.305A>G, p.Asn102Ser (NM_201590.3); c.467A>G, p.Asn156Ser (NM_201593.3, NM_201597.3); short protein forms N102S, N156S, N101S, N108S, N128S.
Identifiers: ClinVar variation 2160798 (VCV002160798.4), dbSNP rs542657567, ClinGen allele CA203216820.